The following is an entry in ClinVar:

NM_007294.4(BRCA1):c.3713_3716del (p.Pro1238fs)

Genes: BRCA1 (BRCA1 DNA repair associated; minus strand), LOC126862571 (BRD4-independent group 4 enhancer GRCh37_chr17:41243136-41244335; plus strand). Cytogenetic location: 17q21.31.
Variant type: Deletion.
Coding change: c.3713_3716del on transcript NM_007294.4 (MANE Select); coding-DNA positions 3713 to 3716, 4 bases deleted (CTTC; older notation c.3713_3716delCTTC).
Protein change: p.Pro1238fs; shifts the reading frame from proline 1238.
Molecular consequence: frameshift variant. On other transcripts: intron variant (135).
Genome position (GRCh38, 1-based): chr17:43,091,815-43,091,818, GAAG deleted on the plus strand (CTTC on the coding strand, the reverse complement: BRCA1 is on the minus strand); deleting any 4 consecutive bases within chr17:43,091,815-43,091,819 gives the same sequence; the c. name uses the placement nearest the transcript's 3' end. VCF-style (leftmost placement, unchanged base first): chr17-43091814-AGAAG-A. GRCh37 (hg19) VCF-style: chr17-41243831-AGAAG-A.
Other names: c.647-786_647-783del (NM_001408456.1, NM_001408458.1, NM_001408469.1 and 11 more transcripts); c.644-786_644-783del (NM_001408465.1, NM_001408463.1, NM_001408470.1 and 3 more transcripts); c.578-786_578-783del (NM_001408482.1, NM_001408484.1, NM_001408478.1 and 9 more transcripts); c.521-786_521-783del (NM_001408504.1, NM_001408503.1, NM_001408505.1); c.524-786_524-783del (NM_001408499.1, NM_001408498.1, NM_001408501.1 and 3 more transcripts); c.671-786_671-783del (NM_001408422.1, NM_001408419.1, NM_001408423.1 and 2 more transcripts); c.707-786_707-783del (NM_001408416.1, NM_001408413.1); c.662-786_662-783del (NM_001408450.1, NM_001408434.1, NM_001408446.1 and 6 more transcripts); and 41 more; short protein forms P1070fs, P1110fs, P1111fs, P1126fs, P1127fs, P1149fs, P1150fs, P1167fs.
Identifiers: ClinVar variation 3254360 (VCV003254360.1), dbSNP rs2552139439.
Genomic context (GRCh38, chr17:43,091,814, plus strand): 5'-ATTCTCCTCTGTGTTCTTAGACAGACACTCGGTAGCAACGGTGCTATGCCTAGTAGACTG[AGAAG>A]GTATATTGTTTACTTTACCAAATAACAAGTGTTGGAAGCAGGGAAGCTCTTCATCCTCAC-3'

ClinVar aggregate classification (germline): Pathogenic (1 of 4 stars; one submission).

Conditions:
Breast-ovarian cancer, familial, susceptibility to, 1 (BROVCA1). Also called: BRCA1 Hereditary Breast and Ovarian Cancer; OVARIAN CANCER, SUSCEPTIBILITY TO. Identifiers: Orphanet 145, MedGen C2676676, MONDO:0011450, OMIM 604370. Disease mechanism: loss of function.

Submission:

Myriad Genetics, Inc.
Classification: Pathogenic for Breast-ovarian cancer, familial, susceptibility to, 1. Last evaluated: 2024-04-01. Review status: criteria provided, single submitter. Criteria: Myriad Autosomal Dominant, Autosomal Recessive and X-Linked Classification Criteria (2023). Collection method: clinical testing. Allele origin: unknown.
Comment: This variant is considered pathogenic. This variant creates a frameshift predicted to result in premature protein truncation.